The following is an entry in ClinVar:

ClinVar aggregate classification (germline): Pathogenic (1 of 4 stars; one submission).

Conditions:
ACCES syndrome (ACCES). Also called: APLASIA CUTIS CONGENITA WITH ECTRODACTYLY SKELETAL SYNDROME. Identifiers: MedGen C5677019, MONDO:0859262, OMIM 619959.

Submission:

Women's Health and Genetics/Laboratory Corporation of America, LabCorp
Classification: Pathogenic for ACCES syndrome. Last evaluated: 2024-09-20. Review status: criteria provided, single submitter. Criteria: LabCorp Variant Classification Summary - May 2015. Collection method: clinical testing. Allele origin: germline.
Comment: Variant summary: UBA2 c.336dupT (p.Met113TyrfsX6) results in a premature termination codon, predicted to cause absence of the protein due to nonsense mediated decay, which is a commonly known mechanism for disease. The variant was absent in 250690 control chromosomes (gnomAD). To our knowledge, no occurrence of c.336dupT in individuals affected with ACCES Syndrome and no experimental evidence demonstrating its impact on protein function have been reported in the literature. No submitters have cited clinical-significance assessments for this variant to ClinVar. Based on the evidence outlined above, the variant was classified as pathogenic.

NM_005499.3(UBA2):c.336dup (p.Met113fs)

Gene: UBA2 (ubiquitin like modifier activating enzyme 2; plus strand). Cytogenetic location: 19q13.11.
Variant type: Duplication.
Coding change: c.336dup on transcript NM_005499.3 (MANE Select); coding-DNA position 336, one base duplicated (T; older notation c.336dupT).
Protein change: p.Met113fs; shifts the reading frame from methionine 113.
Molecular consequence: frameshift variant.
Genome position (GRCh38, 1-based): chr19:34,433,390, T duplicated; the last of 2 consecutive T bases (chr19:34,433,389-34,433,390); duplicating either gives the same sequence. VCF-style (leftmost placement, unchanged base first): chr19-34433388-G-GT. GRCh37 (hg19) VCF-style: chr19-34924293-G-GT.
Other names: c.48dup, p.Met17fs (NM_001411139.1); c.336dupT (NM_005499.3); short protein forms M113fs, M17fs.
Identifiers: ClinVar variation 3375345 (VCV003375345.1).